The following is an entry in ClinVar:

ClinVar aggregate classification (germline): Uncertain significance (1 of 4 stars; one submission).

gnomAD v4.1: 2 of 1,614,186 alleles (0.00012%); highest among the groups gnomAD compares: Non-Finnish European, 0.000085%; no homozygotes.

Submission:

GeneDx
Classification: Uncertain significance. Last evaluated: 2024-09-26. Review status: criteria provided, single submitter. Criteria: GeneDx Variant Classification Process June 2021. Collection method: clinical testing. Allele origin: germline. Affected: yes.
Comment: Not observed at significant frequency in large population cohorts (gnomAD); In silico analysis supports that this missense variant has a deleterious effect on protein structure/function; Has not been previously published as pathogenic or benign to our knowledge

NM_182925.5(FLT4):c.3826G>A (p.Gly1276Arg)

Gene: FLT4 (fms related receptor tyrosine kinase 4; minus strand). Cytogenetic location: 5q35.3.
Variant type: single nucleotide variant.
Coding change: c.3826G>A on transcript NM_182925.5 (MANE Select); coding-DNA position 3826, G replaced by A.
Protein change: p.Gly1276Arg; replaces glycine 1276 with arginine.
Molecular consequence: missense variant.
Genome position (GRCh38, 1-based): chr5:180,609,035, C>T on the plus strand (G>A on the coding strand, the complement: FLT4 is on the minus strand). VCF-style: chr5-180609035-C-T. GRCh37 (hg19) VCF-style: chr5-180036035-C-T.
Other names: c.3826G>A, p.Gly1276Arg (NM_001354989.2, NM_002020.5); short protein forms G1276R.
Identifiers: ClinVar variation 3774744 (VCV003774744.1).